The following is an entry in ClinVar:

NM_002439.5(MSH3):c.1436A>G (p.Asp479Gly)

Gene: MSH3 (mutS homolog 3; plus strand). Cytogenetic location: 5q14.1.
Variant type: single nucleotide variant.
Coding change: c.1436A>G on transcript NM_002439.5 (MANE Select); coding-DNA position 1436, A replaced by G.
Protein change: p.Asp479Gly; replaces aspartic acid 479 with glycine.
Molecular consequence: missense variant.
Genome position (GRCh38, 1-based): chr5:80,725,548, A>G. VCF-style: chr5-80725548-A-G. GRCh37 (hg19) VCF-style: chr5-80021367-A-G.
Other names: short protein forms D479G.
Identifiers: ClinVar variation 655924 (VCV000655924.18), dbSNP rs1485170914, ClinGen allele CA360273702.

ClinVar aggregate classification (germline): Uncertain significance. Review status: criteria provided, multiple submitters, no conflicts (2 of 4 stars). 4 submissions from 4 submitters: Uncertain significance (4). Last evaluated 2025-09-28.

Conditions:
Endometrial carcinoma. Also called: Endometrial carcinoma, somatic. Identifiers: MedGen C0476089, MONDO:0002447, OMIM 608089, HP:0012114.
Hereditary cancer-predisposing syndrome. Also called: Hereditary neoplastic syndrome; Tumor predisposition; Neoplastic Syndromes, Hereditary; Hereditary Cancer Syndrome. Identifiers: Orphanet 140162, MedGen C0027672, MeSH D009386, MONDO:0015356.

Allele frequency attached by ClinVar (database versions not stated): gnomAD exomes below 0.00001 and 0.00001; gnomAD 0.00001.

Submissions (4):

Labcorp Genetics (formerly Invitae), Labcorp
Classification: Uncertain significance. Last evaluated: 2025-09-28. Review status: criteria provided, single submitter. Criteria: Invitae Variant Classification Sherloc (09022015). Collection method: clinical testing. Allele origin: germline.
Comment: This sequence change replaces aspartic acid, which is acidic and polar, with glycine, which is neutral and non-polar, at codon 479 of the MSH3 protein (p.Asp479Gly). This variant is present in population databases (no rsID available, gnomAD 0.007%). This variant has not been reported in the literature in individuals affected with MSH3-related conditions. ClinVar contains an entry for this variant (Variation ID: 655924). An algorithm developed to predict the effect of missense changes on protein structure and function (PolyPhen-2) suggests that this variant is likely to be tolerated. Studies have shown that this missense change is associated with inconclusive levels of altered splicing (internal data). In summary, the available evidence is currently insufficient to determine the role of this variant in disease. Therefore, it has been classified as a Variant of Uncertain Significance.

Ambry Genetics
Classification: Uncertain significance for Hereditary cancer-predisposing syndrome. Last evaluated: 2023-11-15. Review status: criteria provided, single submitter. Criteria: Ambry Variant Classification Scheme 2023. Collection method: clinical testing. Allele origin: germline.
Comment: The p.D479G variant (also known as c.1436A>G), located in coding exon 9 of the MSH3 gene, results from an A to G substitution at nucleotide position 1436. The aspartic acid at codon 479 is replaced by glycine, an amino acid with similar properties. This amino acid position is not well conserved in available vertebrate species. In addition, the in silico prediction for this alteration is inconclusive. Since supporting evidence is limited at this time, the clinical significance of this alteration remains unclear.

Baylor Genetics
Classification: Uncertain significance for Endometrial carcinoma. Last evaluated: 2023-11-14. Review status: criteria provided, single submitter. Criteria: ACMG Guidelines, 2015. Collection method: clinical testing. Allele origin: unknown.

GeneDx
Classification: Uncertain significance. Last evaluated: 2023-01-25. Review status: criteria provided, single submitter. Criteria: GeneDx Variant Classification Process June 2021. Collection method: clinical testing. Allele origin: germline. Affected: yes.
Comment: Not observed at significant frequency in large population cohorts (gnomAD); In silico analysis supports a deleterious effect on splicing; In silico analysis supports that this missense variant does not alter protein structure/function; Has not been previously published as pathogenic or benign to our knowledge